The following is an entry in ClinVar:

NM_003954.5(MAP3K14):c.1821+3C>G

Gene: MAP3K14 (mitogen-activated protein kinase kinase kinase 14; minus strand). Cytogenetic location: 17q21.31.
Variant type: single nucleotide variant.
Coding change: c.1821+3C>G on transcript NM_003954.5 (MANE Select); 3 bases into the intron after coding-DNA position 1821, C replaced by G.
Molecular consequence: intron variant.
Genome position (GRCh38, 1-based): chr17:45,271,055, G>C on the plus strand (C>G on the coding strand, the complement: MAP3K14 is on the minus strand). VCF-style: chr17-45271055-G-C. GRCh37 (hg19) VCF-style: chr17-43348422-G-C.
Identifiers: ClinVar variation 1980659 (VCV001980659.3), dbSNP rs552468703, ClinGen allele CA8614031.

ClinVar aggregate classification (germline): Uncertain significance (1 of 4 stars; one submission).

Conditions:
NIK deficiency. Also called: Primary immunodeficiency with multifaceted aberrant lymphoid immunity. Identifiers: Orphanet 447731, MedGen C5680065, MONDO:0018642.

Allele frequency attached by ClinVar (database versions not stated): gnomAD 0.00001; ExAC 0.00004; 1000 Genomes Project 30x 0.00016; 1000 Genomes Project 0.00020.
gnomAD v4.1: 4 of 1,611,954 alleles (0.00025%); highest among the groups gnomAD compares: East Asian, 0.0067%; no homozygotes.

Submission:

Labcorp Genetics (formerly Invitae), Labcorp
Classification: Uncertain significance for NIK deficiency. Last evaluated: 2024-02-24. Review status: criteria provided, single submitter. Criteria: Invitae Variant Classification Sherloc (09022015). Collection method: clinical testing. Allele origin: germline.
Comment: This sequence change falls in intron 10 of the MAP3K14 gene. It does not directly change the encoded amino acid sequence of the MAP3K14 protein. It affects a nucleotide within the consensus splice site. This variant is present in population databases (rs552468703, gnomAD 0.02%). This variant has not been reported in the literature in individuals affected with MAP3K14-related conditions. ClinVar contains an entry for this variant (Variation ID: 1980659). Variants that disrupt the consensus splice site are a relatively common cause of aberrant splicing (PMID: 17576681, 9536098). Algorithms developed to predict the effect of sequence changes on RNA splicing suggest that this variant is not likely to affect RNA splicing. In summary, the available evidence is currently insufficient to determine the role of this variant in disease. Therefore, it has been classified as a Variant of Uncertain Significance.

Literature cited by the submitters: PubMed 17576681; PubMed 9536098.